The following is an entry in ClinVar:

ClinVar aggregate classification (germline): Likely pathogenic (1 of 4 stars; one submission).

Conditions:
Ataxia-telangiectasia syndrome (AT). Also called: LOUIS-BAR SYNDROME; Cerebello-oculocutaneous telangiectasia; Immunodeficiency with ataxia telangiectasia; AT, COMPLEMENTATION GROUP C; Ataxia-telangiectasia, complementation group D; ATAXIA-TELANGIECTASIA, COMPLEMENTATION GROUP A. Identifiers: Orphanet 100, MedGen C0004135, MONDO:0008840, OMIM 208900.

Submission:

Labcorp Genetics (formerly Invitae), Labcorp
Classification: Likely pathogenic for Ataxia-telangiectasia syndrome. Last evaluated: 2021-07-08. Review status: criteria provided, single submitter. Criteria: Invitae Variant Classification Sherloc (09022015). Collection method: clinical testing. Allele origin: unknown.
Comment: In summary, the currently available evidence indicates that the variant is pathogenic, but additional data are needed to prove that conclusively. Therefore, this variant has been classified as Likely Pathogenic. Experimental studies and prediction algorithms are not available or were not evaluated, and the functional significance of this variant is currently unknown. This variant has not been reported in the literature in individuals affected with ATM-related conditions. This variant results in a copy number gain of the genomic region encompassing exon(s) 17 of the ATM gene. While the exact position of this variant cannot be determined from the data, sub-genic copy number gains are generally in tandem (PMID: 25640679). This variant is predicted to be out-of-frame, and may result in an absent or disrupted protein product. Loss-of-function variants in ATM are known to be pathogenic (PMID: 23807571, 25614872).

Literature cited by the submitters: PubMed 25640679; PubMed 23807571; PubMed 25614872.

NC_000011.9:g.(?_108137888)_(108138753_?)dup

Gene: ATM (ATM serine/threonine kinase; plus strand). Cytogenetic location: 11q22.3.
Variant type: Duplication.
Identifiers: ClinVar variation 3244487 (VCV003244487.1).